The following is an entry in ClinVar:

ClinVar aggregate classification (germline): Uncertain significance (1 of 4 stars; one submission).

Allele frequency attached by ClinVar (database versions not stated): 1000 Genomes Project 30x 0.00016; 1000 Genomes Project 0.00020.
gnomAD v4.1: 2 of 1,613,966 alleles (0.00012%); highest among the groups gnomAD compares: Non-Finnish European, 0.000085%; no homozygotes.

Submission:

Labcorp Genetics (formerly Invitae), Labcorp
Classification: Uncertain significance. Last evaluated: 2024-12-02. Review status: criteria provided, single submitter. Criteria: Invitae Variant Classification Sherloc (09022015). Collection method: clinical testing. Allele origin: germline.
Comment: This sequence change replaces alanine, which is neutral and non-polar, with glutamic acid, which is acidic and polar, at codon 407 of the COL11A2 protein (p.Ala407Glu). This variant is not present in population databases (gnomAD no frequency). This variant has not been reported in the literature in individuals affected with COL11A2-related conditions. ClinVar contains an entry for this variant (Variation ID: 1490294). An algorithm developed to predict the effect of missense changes on protein structure and function (PolyPhen-2) suggests that this variant is likely to be disruptive. In summary, the available evidence is currently insufficient to determine the role of this variant in disease. Therefore, it has been classified as a Variant of Uncertain Significance.

NM_080680.3(COL11A2):c.1220C>A (p.Ala407Glu)

Gene: COL11A2 (collagen type XI alpha 2 chain; minus strand). Cytogenetic location: 6p21.32.
Variant type: single nucleotide variant.
Coding change: c.1220C>A on transcript NM_080680.3 (MANE Select); coding-DNA position 1220, C replaced by A.
Protein change: p.Ala407Glu; replaces alanine 407 with glutamic acid.
Molecular consequence: missense variant.
Genome position (GRCh38, 1-based): chr6:33,180,965, G>T on the plus strand (C>A on the coding strand, the complement: COL11A2 is on the minus strand). VCF-style: chr6-33180965-G-T. GRCh37 (hg19) VCF-style: chr6-33148742-G-T.
Other names: c.899C>A, p.Ala300Glu (NM_080679.3); c.962C>A, p.Ala321Glu (NM_080681.3); short protein forms A300E, A321E, A407E.
Identifiers: ClinVar variation 1490294 (VCV001490294.5), dbSNP rs201981435, ClinGen allele CA137052171.